The following is an entry in ClinVar:

ClinVar aggregate classification (germline): Uncertain significance (1 of 4 stars; one submission).

Submission:

Labcorp Genetics (formerly Invitae), Labcorp
Classification: Uncertain significance. Last evaluated: 2022-09-19. Review status: criteria provided, single submitter. Criteria: Invitae Variant Classification Sherloc (09022015). Collection method: clinical testing. Allele origin: germline.
Comment: In summary, the available evidence is currently insufficient to determine the role of this variant in disease. Therefore, it has been classified as a Variant of Uncertain Significance. Experimental studies and prediction algorithms are not available or were not evaluated, and the functional significance of this variant is currently unknown. This variant has not been reported in the literature in individuals affected with COLGALT1-related conditions. This variant is a gross deletion of the genomic region encompassing exon(s) 1-5 of the COLGALT1 gene, which includes the initiator codon. This deletion extends beyond the assayed region for this gene and therefore may encompass additional genes. It is expected to result in an absent or disrupted protein product. However, the current clinical and genetic evidence is not sufficient to establish whether loss-of-function variants in COLGALT1 cause disease.

NC_000019.9:g.(?_17666523)_(17679542_?)dup

Gene: COLGALT1 (collagen beta(1-O)galactosyltransferase 1; plus strand). Cytogenetic location: 19p13.11.
Variant type: Duplication.
Identifiers: ClinVar variation 2426856 (VCV002426856.4).